The following is an entry in ClinVar:

NM_001017995.3(SH3PXD2B):c.854C>T (p.Pro285Leu)

Gene: SH3PXD2B (SH3 and PX domains 2B; minus strand). Cytogenetic location: 5q35.1.
Variant type: single nucleotide variant.
Coding change: c.854C>T on transcript NM_001017995.3 (MANE Select); coding-DNA position 854, C replaced by T.
Protein change: p.Pro285Leu; replaces proline 285 with leucine.
Molecular consequence: missense variant.
Genome position (GRCh38, 1-based): chr5:172,350,521, G>A on the plus strand (C>T on the coding strand, the complement: SH3PXD2B is on the minus strand). VCF-style: chr5-172350521-G-A. GRCh37 (hg19) VCF-style: chr5-171777525-G-A.
Other names: c.854C>T, p.Pro285Leu (NM_001308175.2); c.854C>T (NM_001017995.2); short protein forms P285L.
Identifiers: ClinVar variation 1465724 (VCV001465724.5), dbSNP rs141428218, ClinGen allele CA3561396.

ClinVar aggregate classification (germline): Uncertain significance. Review status: criteria provided, single submitter (1 of 4 stars). 2 submissions from 2 submitters: Uncertain significance (1). 1 of the submissions does not count toward it. Last evaluated 2022-10-17.

Conditions:
SH3PXD2B-related disorder. Also called: SH3PXD2B-related condition.

Allele frequency attached by ClinVar (database versions not stated): gnomAD exomes 0.00011 and 0.00025; 1000 Genomes Project 30x 0.00016; 1000 Genomes Project 0.00020; ExAC 0.00026; gnomAD 0.00054 and 0.00059; TOPMed 0.00059; ESP Exome Variant Server 0.00062.
gnomAD v4.1: 237 of 1,614,016 alleles (0.015%); highest among the groups gnomAD compares: African/African-American, 0.15%; 1 homozygote.

Submissions (2):

Labcorp Genetics (formerly Invitae), Labcorp
Classification: Uncertain significance. Last evaluated: 2022-10-17. Review status: criteria provided, single submitter. Criteria: Invitae Variant Classification Sherloc (09022015). Collection method: clinical testing. Allele origin: germline.
Comment: This sequence change replaces proline, which is neutral and non-polar, with leucine, which is neutral and non-polar, at codon 285 of the SH3PXD2B protein (p.Pro285Leu). This variant is present in population databases (rs141428218, gnomAD 0.2%). This variant has not been reported in the literature in individuals affected with SH3PXD2B-related conditions. ClinVar contains an entry for this variant (Variation ID: 1465724). Algorithms developed to predict the effect of missense changes on protein structure and function output the following: SIFT: "Tolerated"; PolyPhen-2: "Benign"; Align-GVGD: "Class C0". The leucine amino acid residue is found in multiple mammalian species, which suggests that this missense change does not adversely affect protein function. In summary, the available evidence is currently insufficient to determine the role of this variant in disease. Therefore, it has been classified as a Variant of Uncertain Significance.

PreventionGenetics, part of Exact Sciences
Classification: Likely benign for SH3PXD2B-related condition. Last evaluated: 2024-01-08. Review status: no assertion criteria provided. Collection method: clinical testing. Allele origin: germline. Not counted in ClinVar's aggregate classification.
Comment: This variant is classified as likely benign based on ACMG/AMP sequence variant interpretation guidelines (Richards et al. 2015 PMID: 25741868, with internal and published modifications).